The following is an entry in ClinVar:

NM_007294.4(BRCA1):c.4358-2351G>A

Gene: BRCA1 (BRCA1 DNA repair associated; minus strand). Cytogenetic location: 17q21.31.
Variant type: single nucleotide variant.
Coding change: c.4358-2351G>A on transcript NM_007294.4 (MANE Select); 2351 bases into the intron before coding-DNA position 4358, G replaced by A.
Molecular consequence: intron variant.
Genome position (GRCh38, 1-based): chr17:43,078,965, C>T on the plus strand (G>A on the coding strand, the complement: BRCA1 is on the minus strand). VCF-style: chr17-43078965-C-T. GRCh37 (hg19) VCF-style: chr17-41230982-C-T.
Other names: IVS 13-2351G>A; c.908-2354G>A (NM_001408458.1, NM_001408461.1, NM_001408459.1 and 1 more transcripts); c.3470-2354G>A (NM_001407967.1); c.3977-2351G>A (NM_001407959.1); c.4091-2351G>A (NM_001407931.1, NM_001407932.1, NM_001407930.1 and 1 more transcripts); c.4214-2351G>A (NM_001407747.1, NM_001407745.1, NM_001407746.1 and 11 more transcripts); c.3974-2351G>A (NM_001407962.1); c.545-2351G>A (NM_001408512.1); and 99 more.
Identifiers: ClinVar variation 209395 (VCV000209395.2), dbSNP rs8176197, ClinGen allele CA276367.

ClinVar aggregate classification (germline): Benign (3 of 4 stars; one submission).

Conditions:
Breast-ovarian cancer, familial, susceptibility to, 1 (BROVCA1). Also called: BRCA1 Hereditary Breast and Ovarian Cancer; OVARIAN CANCER, SUSCEPTIBILITY TO. Identifiers: Orphanet 145, MedGen C2676676, MONDO:0011450, OMIM 604370. Disease mechanism: loss of function.

Allele frequency attached by ClinVar (database versions not stated): 1000 Genomes Project 30x 0.01655; TOPMed 0.01686; gnomAD 0.01481 and 0.01593; 1000 Genomes Project 0.01637.
gnomAD v4.1: 2,232 of 152,226 alleles (1.5%); highest among the groups gnomAD compares: African/African-American, 5%; 57 homozygotes.

Submission:

Evidence-based Network for the Interpretation of Germline Mutant Alleles (ENIGMA)
Classification: Benign for Breast-ovarian cancer, familial 1. Last evaluated: 2015-01-12. Review status: reviewed by expert panel. Criteria: ENIGMA BRCA1/2 Classification Criteria (2015). Collection method: curation. Allele origin: germline.
Comment: Class 1 not pathogenic based on frequency >1% in an outbred sampleset. Frequency 0.0935 (African), derived from 1000 genomes (2012-04-30).